The following is an entry in ClinVar:

ClinVar aggregate classification (germline): Pathogenic (1 of 4 stars; one submission).

Submission:

Labcorp Genetics (formerly Invitae), Labcorp
Classification: Pathogenic. Last evaluated: 2022-06-24. Review status: criteria provided, single submitter. Criteria: Invitae Variant Classification Sherloc (09022015). Collection method: clinical testing. Allele origin: germline.
Comment: For these reasons, this variant has been classified as Pathogenic. This variant disrupts a region of the CNGA1 protein in which other variant(s) (p.Arg658Aspfs*2) have been determined to be pathogenic (PMID: 7479749, 24265693). This suggests that this is a clinically significant region of the protein, and that variants that disrupt it are likely to be disease-causing. This variant has not been reported in the literature in individuals affected with CNGA1-related conditions. This variant is not present in population databases (gnomAD no frequency). This sequence change creates a premature translational stop signal (p.Arg462*) in the CNGA1 gene. While this is not anticipated to result in nonsense mediated decay, it is expected to disrupt the last 229 amino acid(s) of the CNGA1 protein.

Literature cited by the submitters: PubMed 7479749; PubMed 24265693.

NM_001379270.1(CNGA1):c.1372A>T (p.Arg458Ter)

Genes: CNGA1 (cyclic nucleotide gated channel subunit alpha 1; minus strand), LOC101927157 (uncharacterized LOC101927157; plus strand). Cytogenetic location: 4p12.
Variant type: single nucleotide variant.
Coding change: c.1372A>T on transcript NM_001379270.1 (MANE Select); coding-DNA position 1372, A replaced by T.
Protein change: p.Arg458Ter; replaces arginine 458 with a stop codon.
Molecular consequence: nonsense.
Genome position (GRCh38, 1-based): chr4:47,937,110, T>A on the plus strand (A>T on the coding strand, the complement: CNGA1 is on the minus strand). VCF-style: chr4-47937110-T-A. GRCh37 (hg19) VCF-style: chr4-47939127-T-A.
Other names: c.1372A>T, p.Arg458Ter (NM_000087.5, NM_001142564.2); short protein forms R458*.
Identifiers: ClinVar variation 2002417 (VCV002002417.4), dbSNP rs2475749170, ClinGen allele CA356825912.